The following is an entry in ClinVar:

ClinVar aggregate classification (germline): Uncertain significance (1 of 4 stars; one submission).

Submission:

GeneDx
Classification: Uncertain significance. Last evaluated: 2024-08-09. Review status: criteria provided, single submitter. Criteria: GeneDx Variant Classification Process June 2021. Collection method: clinical testing. Allele origin: germline. Affected: yes.
Comment: Not observed at significant frequency in large population cohorts (gnomAD); In silico analysis supports that this missense variant has a deleterious effect on protein structure/function; Has not been previously published as pathogenic or benign to our knowledge

NM_170606.3(KMT2C):c.13597C>G (p.Arg4533Gly)

Gene: KMT2C (lysine methyltransferase 2C; minus strand). Cytogenetic location: 7q36.1.
Variant type: single nucleotide variant.
Coding change: c.13597C>G on transcript NM_170606.3 (MANE Select); coding-DNA position 13597, C replaced by G.
Protein change: p.Arg4533Gly; replaces arginine 4533 with glycine.
Molecular consequence: missense variant.
Genome position (GRCh38, 1-based): chr7:152,148,330, G>C on the plus strand (C>G on the coding strand, the complement: KMT2C is on the minus strand). VCF-style: chr7-152148330-G-C. GRCh37 (hg19) VCF-style: chr7-151845415-G-C.
Other names: short protein forms R4533G.
Identifiers: ClinVar variation 3730959 (VCV003730959.1).